The following is an entry in ClinVar:

ClinVar aggregate classification (germline): Pathogenic (1 of 4 stars; one submission).

Conditions:
Walker-Warburg congenital muscular dystrophy. Also called: Muscular dystrophy-dystroglycanopathy, type A; Walker-Warburg syndrome. Identifiers: Orphanet 899, MedGen C0265221, MONDO:0000171.

Submission:

Labcorp Genetics (formerly Invitae), Labcorp
Classification: Pathogenic for Walker-Warburg congenital muscular dystrophy. Last evaluated: 2024-12-17. Review status: criteria provided, single submitter. Criteria: Invitae Variant Classification Sherloc (09022015). Collection method: clinical testing. Allele origin: germline.
Comment: This sequence change creates a premature translational stop signal (p.Trp279Glyfs*149) in the FKRP gene. While this is not anticipated to result in nonsense mediated decay, it is expected to disrupt the last 217 amino acid(s) of the FKRP protein. This variant is not present in population databases (gnomAD no frequency). This variant has not been reported in the literature in individuals affected with FKRP-related conditions. This variant disrupts a region of the FKRP protein in which other variant(s) (p.Ile478Thr) have been determined to be pathogenic (PMID: 16476814, 18639457, 19299310). This suggests that this is a clinically significant region of the protein, and that variants that disrupt it are likely to be disease-causing. For these reasons, this variant has been classified as Pathogenic.

Literature cited by the submitters: PubMed 16476814; PubMed 18639457; PubMed 19299310.

NM_024301.5(FKRP):c.835del (p.Trp279fs)

Gene: FKRP (fukutin related protein; plus strand). Cytogenetic location: 19q13.32.
Variant type: Deletion.
Coding change: c.835del on transcript NM_024301.5 (MANE Select); coding-DNA position 835, one base deleted (T; older notation c.835delT).
Protein change: p.Trp279fs; shifts the reading frame from tryptophan 279.
Molecular consequence: frameshift variant.
Genome position (GRCh38, 1-based): chr19:46,756,285, T deleted. VCF-style (leftmost placement, unchanged base first): chr19-46756284-CT-C. GRCh37 (hg19) VCF-style: chr19-47259541-CT-C.
Other names: c.835del, p.Trp279fs (NM_001039885.3); short protein forms W279fs.
Identifiers: ClinVar variation 3706434 (VCV003706434.2).